The following is an entry in ClinVar:

ClinVar aggregate classification (germline): Pathogenic (1 of 4 stars; one submission).

Conditions:
Developmental and epileptic encephalopathy, 11 (DEE11). Also called: Early infantile epileptic encephalopathy 11. Identifiers: Orphanet 1934, MedGen C3150987, MONDO:0013388, OMIM 613721.
Seizures, benign familial infantile, 3 (BFIS3). Also called: CONVULSIONS, BENIGN FAMILIAL INFANTILE, 3; Familial neonatal seizures. Identifiers: Orphanet 140927, Orphanet 306, MedGen C1843140, MONDO:0011904, OMIM 607745.

Submission:

Labcorp Genetics (formerly Invitae), Labcorp
Classification: Pathogenic for Seizures, benign familial infantile, 3; Developmental and epileptic encephalopathy, 11. Last evaluated: 2025-07-27. Review status: criteria provided, single submitter. Criteria: Invitae Variant Classification Sherloc (09022015). Collection method: clinical testing. Allele origin: germline.
Comment: This sequence change creates a premature translational stop signal (p.Gly1608Glufs*7) in the SCN2A gene. While this is not anticipated to result in nonsense mediated decay, it is expected to disrupt the last 398 amino acid(s) of the SCN2A protein. This variant is not present in population databases (gnomAD no frequency). This variant has not been reported in the literature in individuals affected with SCN2A-related conditions. Algorithms developed to predict the effect of sequence changes on RNA splicing suggest that this variant may disrupt the consensus splice site. This variant disrupts a region of the SCN2A protein in which other variant(s) (p.Lys1890Asn) have been determined to be pathogenic (internal data). This suggests that this is a clinically significant region of the protein, and that variants that disrupt it are likely to be disease-causing. For these reasons, this variant has been classified as Pathogenic.

NC_000002.12:g.165388629del

Gene: SCN2A (sodium voltage-gated channel alpha subunit 2; plus strand). Cytogenetic location: 2q24.3.
Variant type: Deletion.
Genome position: GRCh38 VCF-style: chr2-165388627-AG-A. GRCh37 (hg19) VCF-style: chr2-166245137-AG-A.
Identifiers: ClinVar variation 4785685 (VCV004785685.1).
Genomic context (GRCh38, chr2:165,388,627, plus strand): 5'-TAAACTTTCATTTGCTACTATTAAGTATAACAATATTTTTGTTATTTGTTGATTTTCTAC[AG>A]GAATGTTTCTGGCTGAACTGATAGAAAAGTATTTTGTGTCCCCTACCCTGTTCCGAGTGA-3'